The following is an entry in ClinVar:

NM_000211.5(ITGB2):c.377C>G (p.Pro126Arg)

Gene: ITGB2 (integrin subunit beta 2; minus strand). Cytogenetic location: 21q22.3.
Variant type: single nucleotide variant.
Coding change: c.377C>G on transcript NM_000211.5 (MANE Select); coding-DNA position 377, C replaced by G.
Protein change: p.Pro126Arg; replaces proline 126 with arginine.
Molecular consequence: missense variant.
Genome position (GRCh38, 1-based): chr21:44,903,487, G>C on the plus strand (C>G on the coding strand, the complement: ITGB2 is on the minus strand). VCF-style: chr21-44903487-G-C. GRCh37 (hg19) VCF-style: chr21-46323402-G-C.
Other names: c.377C>G, p.Pro126Arg (NM_001127491.3); c.170C>G, p.Pro57Arg (NM_001303238.2); short protein forms P57R, P126R.
Identifiers: ClinVar variation 863901 (VCV000863901.10), dbSNP rs763505620, ClinGen allele CA410478616.

ClinVar aggregate classification (germline): Uncertain significance (1 of 4 stars; one submission).

Conditions:
Leukocyte adhesion deficiency 1 (LAD1). Also called: LAD 1; Lymphocyte function-associated antigen 1 immunodeficiency; LFA 1 immunodeficiency; LEUKOCYTE ADHESION DEFICIENCY, TYPE I. Identifiers: Orphanet 2968, Orphanet 99842, MedGen C0398738, MONDO:0007293, OMIM 116920.

gnomAD v4.1: 1 of 1,614,120 alleles (0.000062%); highest among the groups gnomAD compares: Non-Finnish European, 0.000085%; no homozygotes.

Submission:

Labcorp Genetics (formerly Invitae), Labcorp
Classification: Uncertain significance for Leukocyte adhesion deficiency 1. Last evaluated: 2019-04-01. Review status: criteria provided, single submitter. Criteria: Invitae Variant Classification Sherloc (09022015). Collection method: clinical testing. Allele origin: germline.
Comment: In summary, the available evidence is currently insufficient to determine the role of this variant in disease. Therefore, it has been classified as a Variant of Uncertain Significance. Algorithms developed to predict the effect of missense changes on protein structure and function (SIFT, PolyPhen-2, Align-GVGD) all suggest that this variant is likely to be disruptive, but these predictions have not been confirmed by published functional studies and their clinical significance is uncertain. This variant has not been reported in the literature in individuals with ITGB2-related conditions. This variant is not present in population databases (ExAC no frequency). This sequence change replaces proline with arginine at codon 126 of the ITGB2 protein (p.Pro126Arg). The proline residue is highly conserved and there is a moderate physicochemical difference between proline and arginine.